The following is an entry in ClinVar:

NM_003718.5(CDK13):c.140_154dup (p.Pro51_Pro52insGlnLeuLeuGlnPro)

Gene: CDK13 (cyclin dependent kinase 13; plus strand). Cytogenetic location: 7p14.1.
Variant type: Duplication.
Coding change: c.140_154dup on transcript NM_003718.5 (MANE Select); coding-DNA positions 140 to 154, 15 bases duplicated (AGCTCCTGCAACCGC).
Protein change: p.Pro51_Pro52insGlnLeuLeuGlnPro.
Molecular consequence: inframe indel (on NM_031267.4).
Genome position (GRCh38, 1-based): chr7:39,950,781-39,950,795, AGCTCCTGCAACCGC duplicated; duplicating any 15 consecutive bases within chr7:39,950,777-39,950,795 gives the same sequence; the c. name uses the placement nearest the transcript's 3' end. VCF-style (leftmost placement, unchanged base first): chr7-39950776-G-GCCGCAGCTCCTGCAA. GRCh37 (hg19) VCF-style: chr7-39990375-G-GCCGCAGCTCCTGCAA.
Other names: c.140_154dup, p.Pro51_Pro52insGlnLeuLeuGlnPro (NM_031267.4).
Identifiers: ClinVar variation 2800860 (VCV002800860.3), dbSNP rs2483667028, ClinGen allele CA2682484782.

ClinVar aggregate classification (germline): Uncertain significance (1 of 4 stars; one submission).

Submission:

Labcorp Genetics (formerly Invitae), Labcorp
Classification: Uncertain significance. Last evaluated: 2024-06-03. Review status: criteria provided, single submitter. Criteria: Invitae Variant Classification Sherloc (09022015). Collection method: clinical testing. Allele origin: germline.
Comment: This variant, c.140_154dup, results in the insertion of 5 amino acid(s) of the CDK13 protein (p.Gln47_Pro51dup), but otherwise preserves the integrity of the reading frame. This variant is not present in population databases (gnomAD no frequency). This variant has not been reported in the literature in individuals affected with CDK13-related conditions. In summary, the available evidence is currently insufficient to determine the role of this variant in disease. Therefore, it has been classified as a Variant of Uncertain Significance.